The following is an entry in ClinVar:

NM_000075.4(CDK4):c.901A>C (p.Asn301His)

Genes: CDK4 (cyclin dependent kinase 4; minus strand), TSPAN31 (tetraspanin 31; plus strand). Cytogenetic location: 12q14.1.
Variant type: single nucleotide variant.
Coding change: c.901A>C on transcript NM_000075.4 (MANE Select); coding-DNA position 901, A replaced by C.
Protein change: p.Asn301His; replaces asparagine 301 with histidine.
Molecular consequence: missense variant. On other transcripts: 3 prime UTR variant (3).
Genome position (GRCh38, 1-based): chr12:57,748,536, T>G on the plus strand (A>C on the coding strand, the complement: CDK4 is on the minus strand). VCF-style: chr12-57748536-T-G. GRCh37 (hg19) VCF-style: chr12-58142319-T-G.
Other names: c.*1246T>G (NM_001330168.2, NM_001330169.2, NM_005981.5); short protein forms N301H.
Identifiers: ClinVar variation 233433 (VCV000233433.17), dbSNP rs876660404, ClinGen allele CA10579430.

ClinVar aggregate classification (germline): Uncertain significance. Review status: criteria provided, multiple submitters, no conflicts (2 of 4 stars). 2 submissions from 2 submitters: Uncertain significance (2). Last evaluated 2026-01-13.

Conditions:
Hereditary cancer-predisposing syndrome. Also called: Neoplastic Syndromes, Hereditary; Tumor predisposition; Hereditary Cancer Syndrome; Hereditary neoplastic syndrome. Identifiers: Orphanet 140162, MedGen C0027672, MeSH D009386, MONDO:0015356.
Familial melanoma. Also called: Hereditary melanoma; Hereditary cutaneous melanoma. Identifiers: Orphanet 618, MedGen C1512419, MONDO:0018961.

Allele frequency attached by ClinVar (database versions not stated): gnomAD exomes below 0.00001.
gnomAD v4.1: 1 of 1,612,154 alleles (0.000062%); highest among the groups gnomAD compares: Non-Finnish European, 0.000085%; no homozygotes.

Submissions (2):

Labcorp Genetics (formerly Invitae), Labcorp
Classification: Uncertain significance for Familial melanoma. Last evaluated: 2026-01-13. Review status: criteria provided, single submitter. Criteria: Invitae Variant Classification Sherloc (09022015). Collection method: clinical testing. Allele origin: germline.
Comment: This sequence change replaces asparagine, which is neutral and polar, with histidine, which is basic and polar, at codon 301 of the CDK4 protein (p.Asn301His). This variant is not present in population databases (gnomAD no frequency). This variant has not been reported in the literature in individuals affected with CDK4-related conditions. ClinVar contains an entry for this variant (Variation ID: 233433). Invitae Evidence Modeling of protein sequence and biophysical properties (such as structural, functional, and spatial information, amino acid conservation, physicochemical variation, residue mobility, and thermodynamic stability) indicates that this missense variant is not expected to disrupt CDK4 protein function with a negative predictive value of 95%. In summary, the available evidence is currently insufficient to determine the role of this variant in disease. Therefore, it has been classified as a Variant of Uncertain Significance.

Ambry Genetics
Classification: Uncertain significance for Hereditary cancer-predisposing syndrome. Last evaluated: 2024-03-18. Review status: criteria provided, single submitter. Criteria: Ambry Variant Classification Scheme 2023. Collection method: clinical testing. Allele origin: germline.
Comment: The p.N301H variant (also known as c.901A>C), located in coding exon 7 of the CDK4 gene, results from an A to C substitution at nucleotide position 901. The asparagine at codon 301 is replaced by histidine, an amino acid with similar properties. This amino acid position is poorly conserved in available vertebrate species. In addition, this alteration is predicted to be tolerated by in silico analysis. Since supporting evidence is limited at this time, the clinical significance of this alteration remains unclear.